The following is an entry in ClinVar:

NM_001257293.2(HNRNPH1):c.-31-5T>G

Genes: HNRNPH1 (heterogeneous nuclear ribonucleoprotein H1; minus strand), LOC128966623 (uncharacterized LOC128966623; plus strand). Cytogenetic location: 5q35.3.
Variant type: single nucleotide variant.
Coding change: c.-31-5T>G on transcript NM_001257293.2 (MANE Select); 5 bases into the intron before 31 bases upstream of the start codon, T replaced by G.
Molecular consequence: intron variant. On other transcripts: 5 prime UTR variant (2).
Genome position (GRCh38, 1-based): chr5:179,623,169, A>C on the plus strand (T>G on the coding strand, the complement: HNRNPH1 is on the minus strand). VCF-style: chr5-179623169-A-C. GRCh37 (hg19) VCF-style: chr5-179050170-A-C.
Other names: c.-36T>G (NM_001364238.2, NM_001395182.1); c.-31-5T>G (NM_001364233.2, NM_001364225.2, NM_001395193.1 and 38 more transcripts); c.-495-5T>G (NM_001364253.2, NM_001395194.1, NM_001395195.1 and 4 more transcripts); c.-396-5T>G (NM_001395190.1).
Identifiers: ClinVar variation 3369107 (VCV003369107.1).

ClinVar aggregate classification (germline): Uncertain significance (1 of 4 stars; one submission).

Submission:

GeneDx
Classification: Uncertain significance. Last evaluated: 2024-02-13. Review status: criteria provided, single submitter. Criteria: GeneDx Variant Classification Process June 2021. Collection method: clinical testing. Allele origin: germline. Affected: yes.
Comment: Not observed at significant frequency in large population cohorts (gnomAD); Located in a region that tolerates variation and lacks pathogenic variants; Has not been previously published as pathogenic or benign to our knowledge; In silico analysis is inconclusive as to whether the variant alters gene splicing. In the absence of RNA/functional studies, the actual effect of this sequence change is unknown.